The following is an entry in ClinVar:

ClinVar aggregate classification (germline): Uncertain significance (1 of 4 stars; one submission).

Submission:

Labcorp Genetics (formerly Invitae), Labcorp
Classification: Uncertain significance. Last evaluated: 2022-10-24. Review status: criteria provided, single submitter. Criteria: Invitae Variant Classification Sherloc (09022015). Collection method: clinical testing. Allele origin: germline.
Comment: This variant is present in population databases (rs749251916, gnomAD 0.004%). In summary, the available evidence is currently insufficient to determine the role of this variant in disease. Therefore, it has been classified as a Variant of Uncertain Significance. Experimental studies and prediction algorithms are not available or were not evaluated, and the functional significance of this variant is currently unknown. ClinVar contains an entry for this variant (Variation ID: 1470575). This variant has not been reported in the literature in individuals affected with AGBL5-related conditions. This variant, c.1892_1894del, results in the deletion of 1 amino acid(s) of the AGBL5 protein (p.Cys631del), but otherwise preserves the integrity of the reading frame.

NM_021831.6(AGBL5):c.1892_1894del (p.Cys631del)

Gene: AGBL5 (AGBL carboxypeptidase 5; plus strand). Cytogenetic location: 2p23.3.
Variant type: Deletion.
Coding change: c.1892_1894del on transcript NM_021831.6 (MANE Select); coding-DNA positions 1892 to 1894, 3 bases deleted (GCT; older notation c.1892_1894delGCT).
Protein change: p.Cys631del; deletes cysteine 631.
Molecular consequence: inframe deletion. On other transcripts: non-coding transcript variant (2).
Genome position (GRCh38, 1-based): chr2:27,059,207-27,059,209, GCT deleted; deleting any 3 consecutive bases within chr2:27,059,205-27,059,209 gives the same sequence; the c. name uses the placement nearest the transcript's 3' end. VCF-style (leftmost placement, unchanged base first): chr2-27059204-CCTG-C. GRCh37 (hg19) VCF-style: chr2-27282072-CCTG-C.
Other names: c.1892_1894del, p.Cys631del (NM_001035507.3); short protein forms C631del.
Identifiers: ClinVar variation 1470575 (VCV001470575.8), dbSNP rs749251916, ClinGen allele CA1568003.
Genomic context (GRCh38, chr2:27,059,204, plus strand): 5'-ACACAACCTTCCTGGCCCGGGTTAACTGGCATCTGCTTCTTTGCAGTGGGTTGCCTGTCT[CCTG>C]CTCCGAAAACACCTTGAGTCGGGCACGAAGTTTTAGCACCGGCACAAGTGCCGGTGGTAG-3'